The following is an entry in ClinVar:

NM_005876.5(SPEG):c.7705G>A (p.Glu2569Lys)

Genes: ASIC4-AS1 (ASIC4 antisense RNA 1; minus strand), SPEG (striated muscle enriched protein kinase; plus strand). Cytogenetic location: 2q35.
Variant type: single nucleotide variant.
Coding change: c.7705G>A on transcript NM_005876.5 (MANE Select); coding-DNA position 7705, G replaced by A.
Protein change: p.Glu2569Lys; replaces glutamic acid 2569 with lysine.
Molecular consequence: missense variant.
Genome position (GRCh38, 1-based): chr2:219,485,441, G>A. VCF-style: chr2-219485441-G-A. GRCh37 (hg19) VCF-style: chr2-220350163-G-A.
Other names: short protein forms E2569K.
Identifiers: ClinVar variation 1521042 (VCV001521042.3), dbSNP rs1371462145, ClinGen allele CA350703743.

ClinVar aggregate classification (germline): Uncertain significance (1 of 4 stars; one submission).

Allele frequency attached by ClinVar (database versions not stated): gnomAD exomes below 0.00001; gnomAD 0.00001; TOPMed below 0.00001.
gnomAD v4.1: 3 of 1,602,380 alleles (0.00019%); highest among the groups gnomAD compares: East Asian, 0.0023%; no homozygotes.

Submission:

Labcorp Genetics (formerly Invitae), Labcorp
Classification: Uncertain significance. Last evaluated: 2021-10-06. Review status: criteria provided, single submitter. Criteria: Invitae Variant Classification Sherloc (09022015). Collection method: clinical testing. Allele origin: germline.
Comment: This sequence change replaces glutamic acid with lysine at codon 2569 of the SPEG protein (p.Glu2569Lys). The glutamic acid residue is highly conserved and there is a small physicochemical difference between glutamic acid and lysine. This variant is not present in population databases (ExAC no frequency). This variant has not been reported in the literature in individuals affected with SPEG-related conditions. Algorithms developed to predict the effect of missense changes on protein structure and function are either unavailable or do not agree on the potential impact of this missense change (SIFT: "Tolerated"; PolyPhen-2: "Probably Damaging"; Align-GVGD: "Class C0"). In summary, the available evidence is currently insufficient to determine the role of this variant in disease. Therefore, it has been classified as a Variant of Uncertain Significance.